The following is an entry in ClinVar:

NM_007215.4(POLG2):c.1158T>G (p.Asp386Glu)

Genes: MILR1 (mast cell immunoglobulin like receptor 1; plus strand), POLG2 (DNA polymerase gamma 2, accessory subunit; minus strand). Cytogenetic location: 17q23.3.
Variant type: single nucleotide variant.
Coding change: c.1158T>G on transcript NM_007215.4 (MANE Select); coding-DNA position 1158, T replaced by G.
Protein change: p.Asp386Glu; replaces aspartic acid 386 with glutamic acid.
Molecular consequence: missense variant.
Genome position (GRCh38, 1-based): chr17:64,482,952, A>C on the plus strand (T>G on the coding strand, the complement: POLG2 is on the minus strand). VCF-style: chr17-64482952-A-C. GRCh37 (hg19) VCF-style: chr17-62479069-A-C.
Other names: p.D386E:GAT>GAG; short protein forms D386E.
Identifiers: ClinVar variation 215018 (VCV000215018.49), dbSNP rs61751983, ClinGen allele CA323039.

ClinVar aggregate classification (germline): Benign. Review status: criteria provided, multiple submitters, no conflicts (2 of 4 stars). 8 submissions from 8 submitters: Benign (8). Last evaluated 2026-09-01.

Conditions:
Hereditary spastic paraplegia. Also called: Familial spastic paraparesis. Identifiers: Orphanet 685, MedGen C0037773, MONDO:0019064. Disease mechanism: loss of function.

Allele frequency attached by ClinVar (database versions not stated): ESP Exome Variant Server 0.00038; gnomAD exomes 0.00152 and 0.00699; gnomAD 0.00235 and 0.00244; TOPMed 0.00515; ExAC 0.00569; 1000 Genomes Project 0.00599; 1000 Genomes Project 30x 0.00734.

Submissions (18):

CeGaT Center for Human Genetics Tuebingen
Classification: Benign. Last evaluated: 2026-09-01. Review status: criteria provided, single submitter. Criteria: CeGaT Center For Human Genetics Tuebingen Variant Classification Criteria Version 2. Collection method: clinical testing. Allele origin: germline. Affected: yes. Observed: 12 variant alleles.
Comment: POLG2: BS1, BS2

Labcorp Genetics (formerly Invitae), Labcorp
Classification: Benign. Last evaluated: 2026-02-01. Review status: criteria provided, single submitter. Criteria: Invitae Variant Classification Sherloc (09022015). Collection method: clinical testing. Allele origin: germline.

ARUP Laboratories, Molecular Genetics and Genomics, ARUP Laboratories
Classification: Benign. Last evaluated: 2023-11-11. Review status: criteria provided, single submitter. Criteria: ARUP Molecular Germline Variant Investigation Process 2024. Collection method: clinical testing. Allele origin: germline.

Mayo Clinic Laboratories, Mayo Clinic
Classification: Benign. Last evaluated: 2023-01-16. Review status: criteria provided, single submitter. Criteria: ACMG Guidelines, 2015. Collection method: clinical testing. Allele origin: germline. Observed: 16 variant alleles.
Comment: BS1, BS2

Genome Diagnostics Laboratory, The Hospital for Sick Children
Classification: Benign for Hereditary spastic paraplegia. Last evaluated: 2019-07-01. Review status: criteria provided, single submitter. Criteria: ACMG Guidelines, 2015. Collection method: clinical testing. Allele origin: germline. Affected: yes.

GeneDx
Classification: Benign. Last evaluated: 2018-04-13. Review status: criteria provided, single submitter. Criteria: GeneDx Variant Classification Process June 2021. Collection method: clinical testing. Allele origin: germline. Affected: yes.
Comment: This variant is associated with the following publications: (PMID: 21555342, 27483465)

Center for Pediatric Genomic Medicine, Children's Mercy Hospital and Clinics
Classification: Benign. Last evaluated: 2017-02-28. Review status: criteria provided, single submitter. Criteria: ACMG Guidelines, 2015. Collection method: clinical testing. Allele origin: germline.

Breakthrough Genomics
Classification: Benign. Review status: criteria provided, single submitter. Criteria: ACMG Guidelines, 2015. Collection method: not provided. Allele origin: germline. Inheritance: Autosomal recessive inheritance. Affected: yes.

Dr. Peter K. Rogan Lab, Western University
No classification provided (evidence only). Condition: Clear cell carcinoma of kidney. Review status: no classification provided. Collection method: in vitro. Allele origin: not applicable. Functional consequence: retained intron. Not counted in ClinVar's aggregate classification.

Dr. Peter K. Rogan Lab, Western University
No classification provided (evidence only). Condition: Clear cell carcinoma of kidney. Review status: no classification provided. Collection method: in vitro. Allele origin: not applicable. Functional consequence: retained intron. Not counted in ClinVar's aggregate classification.

Dr. Peter K. Rogan Lab, Western University
No classification provided (evidence only). Condition: Melanoma. Review status: no classification provided. Collection method: in vitro. Allele origin: not applicable. Functional consequence: retained intron. Not counted in ClinVar's aggregate classification.

Dr. Peter K. Rogan Lab, Western University
No classification provided (evidence only). Condition: Familial cancer of breast. Review status: no classification provided. Collection method: in vitro. Allele origin: not applicable. Functional consequence: retained intron. Not counted in ClinVar's aggregate classification.

Dr. Peter K. Rogan Lab, Western University
No classification provided (evidence only). Condition: Familial cancer of breast. Review status: no classification provided. Collection method: in vitro. Allele origin: not applicable. Functional consequence: retained intron. Not counted in ClinVar's aggregate classification.

Dr. Peter K. Rogan Lab, Western University
No classification provided (evidence only). Condition: Cervical cancer. Review status: no classification provided. Collection method: in vitro. Allele origin: not applicable. Functional consequence: retained intron. Not counted in ClinVar's aggregate classification.

Dr. Peter K. Rogan Lab, Western University
No classification provided (evidence only). Condition: Cervical cancer. Review status: no classification provided. Collection method: in vitro. Allele origin: not applicable. Functional consequence: retained intron. Not counted in ClinVar's aggregate classification.

Dr. Peter K. Rogan Lab, Western University
No classification provided (evidence only). Condition: Cervical cancer. Review status: no classification provided. Collection method: in vitro. Allele origin: not applicable. Functional consequence: skipped exon. Not counted in ClinVar's aggregate classification.

Dr. Peter K. Rogan Lab, Western University
No classification provided (evidence only). Condition: Thymoma. Review status: no classification provided. Collection method: in vitro. Allele origin: not applicable. Functional consequence: retained intron. Not counted in ClinVar's aggregate classification.

Dr. Peter K. Rogan Lab, Western University
No classification provided (evidence only). Condition: Gastric cancer. Review status: no classification provided. Collection method: in vitro. Allele origin: not applicable. Functional consequence: retained intron. Not counted in ClinVar's aggregate classification.

Literature cited by the submitters: PubMed 21555342 (cited by Mayo Clinic Laboratories, Mayo Clinic).